The following is an entry in ClinVar:

ClinVar aggregate classification (germline): Uncertain significance (1 of 4 stars; one submission).

Submission:

Labcorp Genetics (formerly Invitae), Labcorp
Classification: Uncertain significance. Last evaluated: 2023-11-27. Review status: criteria provided, single submitter. Criteria: Invitae Variant Classification Sherloc (09022015). Collection method: clinical testing. Allele origin: germline.
Comment: This sequence change creates a premature translational stop signal (p.Cys212*) in the WNT3A gene. While this is not anticipated to result in nonsense mediated decay, it is expected to disrupt the last 141 amino acid(s) of the WNT3A protein. This variant is not present in population databases (gnomAD no frequency). This variant has not been reported in the literature in individuals affected with WNT3A-related conditions. Experimental studies and prediction algorithms are not available or were not evaluated, and the functional significance of this variant is currently unknown. In summary, the available evidence is currently insufficient to determine the role of this variant in disease. Therefore, it has been classified as a Variant of Uncertain Significance.

NM_033131.4(WNT3A):c.636C>A (p.Cys212Ter)

Gene: WNT3A (Wnt family member 3A; plus strand). Cytogenetic location: 1q42.13.
Variant type: single nucleotide variant.
Coding change: c.636C>A on transcript NM_033131.4 (MANE Select); coding-DNA position 636, C replaced by A.
Protein change: p.Cys212Ter; replaces cysteine 212 with a stop codon.
Molecular consequence: nonsense.
Genome position (GRCh38, 1-based): chr1:228,059,042, C>A. VCF-style: chr1-228059042-C-A. GRCh37 (hg19) VCF-style: chr1-228246743-C-A.
Other names: short protein forms C212*.
Identifiers: ClinVar variation 2699305 (VCV002699305.3), dbSNP rs2031739448, ClinGen allele CA345336574.